The following is an entry in ClinVar:

ClinVar aggregate classification (germline): Conflicting classifications of pathogenicity. Review status: criteria provided, conflicting classifications (1 of 4 stars). 3 submissions from 3 submitters: Uncertain significance (2); Likely benign (1). Last evaluated 2025-05-16.

Conditions:
Hereditary cancer-predisposing syndrome. Also called: Neoplastic Syndromes, Hereditary; Hereditary neoplastic syndrome; Tumor predisposition; Hereditary Cancer Syndrome. Identifiers: Orphanet 140162, MedGen C0027672, MeSH D009386, MONDO:0015356.

Allele frequency attached by ClinVar (database versions not stated): TOPMed 0.00001; gnomAD 0.00001; gnomAD exomes 0.00001.
gnomAD v4.1: 17 of 1,609,730 alleles (0.0011%); highest among the groups gnomAD compares: Middle Eastern, 0.016%; no homozygotes.

Submissions (3):

Ambry Genetics
Classification: Likely benign for Hereditary cancer-predisposing syndrome. Last evaluated: 2025-05-16. Review status: criteria provided, single submitter. Criteria: Ambry Variant Classification Scheme 2023. Collection method: clinical testing. Allele origin: germline.

Labcorp Genetics (formerly Invitae), Labcorp
Classification: Uncertain significance. Last evaluated: 2025-04-16. Review status: criteria provided, single submitter. Criteria: Invitae Variant Classification Sherloc (09022015). Collection method: clinical testing. Allele origin: germline.
Comment: This sequence change replaces asparagine, which is neutral and polar, with serine, which is neutral and polar, at codon 428 of the CTNNA1 protein (p.Asn428Ser). This variant is present in population databases (no rsID available, gnomAD 0.002%). This variant has not been reported in the literature in individuals affected with CTNNA1-related conditions. ClinVar contains an entry for this variant (Variation ID: 848037). Invitae Evidence Modeling of protein sequence and biophysical properties (such as structural, functional, and spatial information, amino acid conservation, physicochemical variation, residue mobility, and thermodynamic stability) indicates that this missense variant is not expected to disrupt CTNNA1 protein function with a negative predictive value of 80%. In summary, the available evidence is currently insufficient to determine the role of this variant in disease. Therefore, it has been classified as a Variant of Uncertain Significance.

GeneDx
Classification: Uncertain significance. Last evaluated: 2024-05-24. Review status: criteria provided, single submitter. Criteria: GeneDx Variant Classification Process June 2021. Collection method: clinical testing. Allele origin: germline.
Comment: In silico analysis supports that this missense variant has a deleterious effect on protein structure/function; Has not been previously published as pathogenic or benign to our knowledge

NM_001903.5(CTNNA1):c.1283A>G (p.Asn428Ser)

Gene: CTNNA1 (catenin alpha 1; plus strand). Cytogenetic location: 5q31.2.
Variant type: single nucleotide variant.
Coding change: c.1283A>G on transcript NM_001903.5 (MANE Select); coding-DNA position 1283, A replaced by G.
Protein change: p.Asn428Ser; replaces asparagine 428 with serine.
Molecular consequence: missense variant. On other transcripts: 5 prime UTR variant (5), intron variant (2).
Genome position (GRCh38, 1-based): chr5:138,887,629, A>G. VCF-style: chr5-138887629-A-G. GRCh37 (hg19) VCF-style: chr5-138223318-A-G.
Other names: c.1283A>G, p.Asn428Ser (NM_001290307.3, NM_001323982.2, NM_001323983.1 and 3 more transcripts); c.974A>G, p.Asn325Ser (NM_001290309.3); c.914A>G, p.Asn305Ser (NM_001290310.3); c.173A>G, p.Asn58Ser (NM_001290312.1, NM_001323987.1, NM_001323988.1 and 18 more transcripts); c.-225A>G (NM_001324006.1, NM_001324007.1, NM_001324008.1 and 1 more transcripts); c.-100A>G (NM_001324013.1); c.-58+12032A>G (NM_001324012.1); c.-61+12032A>G (NM_001324010.1); short protein forms N428S, N58S, N305S, N325S.
Identifiers: ClinVar variation 848037 (VCV000848037.13), dbSNP rs1396302901, ClinGen allele CA361133247.